The following is an entry in ClinVar:

ClinVar aggregate classification (germline): Uncertain significance. Review status: criteria provided, single submitter (1 of 4 stars). 2 submissions from 2 submitters: Uncertain significance (1). 1 of the submissions does not count toward it. Last evaluated 2025-02-01.

Conditions:
Tatton-Brown-Rahman overgrowth syndrome. Also called: Tall stature-intellectual disability-facial dysmorphism syndrome; Tatton-Brown-Rahman syndrome. Identifiers: Orphanet 404443, MedGen C4014545, MONDO:0014382, OMIM 615879.
DNMT3A-related disorder. Also called: DNMT3A-related disorders; DNMT3A-related condition.

Allele frequency attached by ClinVar (database versions not stated): TOPMed 0.00001; gnomAD 0.00003; gnomAD exomes 0.00003.
gnomAD v4.1: 43 of 1,612,752 alleles (0.0027%); highest among the groups gnomAD compares: Non-Finnish European, 0.0034%; no homozygotes.

Submissions (2):

Labcorp Genetics (formerly Invitae), Labcorp
Classification: Uncertain significance for Tatton-Brown-Rahman overgrowth syndrome. Last evaluated: 2025-02-01. Review status: criteria provided, single submitter. Criteria: Invitae Variant Classification Sherloc (09022015). Collection method: clinical testing. Allele origin: germline.
Comment: This sequence change replaces arginine, which is basic and polar, with glutamine, which is neutral and polar, at codon 143 of the DNMT3A protein (p.Arg143Gln). The frequency data for this variant in the population databases is considered unreliable, as metrics indicate poor data quality at this position in the gnomAD database. This variant has not been reported in the literature in individuals affected with DNMT3A-related conditions. ClinVar contains an entry for this variant (Variation ID: 2061374). Invitae Evidence Modeling of protein sequence and biophysical properties (such as structural, functional, and spatial information, amino acid conservation, physicochemical variation, residue mobility, and thermodynamic stability) indicates that this missense variant is not expected to disrupt DNMT3A protein function with a negative predictive value of 95%. In summary, the available evidence is currently insufficient to determine the role of this variant in disease. Therefore, it has been classified as a Variant of Uncertain Significance.

PreventionGenetics, part of Exact Sciences
Classification: Likely benign for DNMT3A-related condition. Last evaluated: 2024-03-13. Review status: no assertion criteria provided. Collection method: clinical testing. Allele origin: germline. Not counted in ClinVar's aggregate classification.
Comment: This variant is classified as likely benign based on ACMG/AMP sequence variant interpretation guidelines (Richards et al. 2015 PMID: 25741868, with internal and published modifications).

NM_022552.5(DNMT3A):c.428G>A (p.Arg143Gln)

Gene: DNMT3A (DNA methyltransferase 3 alpha; minus strand). Cytogenetic location: 2p23.3.
Variant type: single nucleotide variant.
Coding change: c.428G>A on transcript NM_022552.5 (MANE Select); coding-DNA position 428, G replaced by A.
Protein change: p.Arg143Gln; replaces arginine 143 with glutamine.
Molecular consequence: missense variant. On other transcripts: non-coding transcript variant (1).
Genome position (GRCh38, 1-based): chr2:25,282,461, C>T on the plus strand (G>A on the coding strand, the complement: DNMT3A is on the minus strand). VCF-style: chr2-25282461-C-T. GRCh37 (hg19) VCF-style: chr2-25505330-C-T.
Other names: c.428G>A, p.Arg143Gln (NM_001320892.2, NM_175629.2, NM_175630.1); short protein forms R143Q.
Identifiers: ClinVar variation 2061374 (VCV002061374.5), dbSNP rs745432645, ClinGen allele CA43726322.